The following is an entry in ClinVar:

NM_015041.3(CLUAP1):c.260dup (p.Tyr87Ter)

Gene: CLUAP1 (clusterin associated protein 1; plus strand). Cytogenetic location: 16p13.3.
Variant type: Duplication.
Coding change: c.260dup on transcript NM_015041.3 (MANE Select); coding-DNA position 260, one base duplicated (A; older notation c.260dupA).
Protein change: p.Tyr87Ter; replaces tyrosine 87 with a stop codon.
Molecular consequence: nonsense.
Genome position (GRCh38, 1-based): chr16:3,508,329, A duplicated. VCF-style (leftmost placement, unchanged base first): chr16-3508328-T-TA. GRCh37 (hg19) VCF-style: chr16-3558328-T-TA.
Other names: c.260dup, p.Tyr87Ter (NM_001330454.2); short protein forms Y87*.
Identifiers: ClinVar variation 937738 (VCV000937738.7), dbSNP rs2037548126, ClinGen allele CA1139664443.

ClinVar aggregate classification (germline): Uncertain significance (1 of 4 stars; one submission).

Submission:

Labcorp Genetics (formerly Invitae), Labcorp
Classification: Uncertain significance. Last evaluated: 2019-09-25. Review status: criteria provided, single submitter. Criteria: Invitae Variant Classification Sherloc (09022015). Collection method: clinical testing. Allele origin: germline.
Comment: In summary, the available evidence is currently insufficient to determine the role of this variant in disease. Therefore, it has been classified as a Variant of Uncertain Significance. The current clinical and genetic evidence is not sufficient to establish whether loss-of-function variants in CLUAP1 cause disease. This variant has not been reported in the literature in individuals with CLUAP1-related conditions. This variant is not present in population databases (ExAC no frequency). This sequence change creates a premature translational stop signal (p.Tyr87*) in the CLUAP1 gene. It is expected to result in an absent or disrupted protein product.